The following is an entry in ClinVar:

ClinVar aggregate classification (germline): Uncertain significance (1 of 4 stars; one submission).

Conditions:
Ehlers-Danlos syndrome, classic type, 1 (EDSCL1). Also called: EHLERS-DANLOS SYNDROME, GRAVIS TYPE; EHLERS-DANLOS SYNDROME, SEVERE CLASSIC TYPE; Ehlers-Danlos syndrome, type 1; Ehlers-Danlos Syndrome, Classic Type, COL5A1-Related; EDS I. Identifiers: MedGen C0268335, MONDO:0019567, OMIM 130000.

Submission:

Labcorp Genetics (formerly Invitae), Labcorp
Classification: Uncertain significance for Ehlers-Danlos syndrome, classic type, 1. Last evaluated: 2024-10-16. Review status: criteria provided, single submitter. Criteria: Invitae Variant Classification Sherloc (09022015). Collection method: clinical testing. Allele origin: germline.
Comment: This sequence change replaces proline, which is neutral and non-polar, with leucine, which is neutral and non-polar, at codon 713 of the COL5A1 protein (p.Pro713Leu). This variant is not present in population databases (gnomAD no frequency). This variant has not been reported in the literature in individuals affected with COL5A1-related conditions. Invitae Evidence Modeling of protein sequence and biophysical properties (such as structural, functional, and spatial information, amino acid conservation, physicochemical variation, residue mobility, and thermodynamic stability) indicates that this missense variant is not expected to disrupt COL5A1 protein function with a negative predictive value of 95%. In summary, the available evidence is currently insufficient to determine the role of this variant in disease. Therefore, it has been classified as a Variant of Uncertain Significance.

NM_000093.5(COL5A1):c.2138C>T (p.Pro713Leu)

Gene: COL5A1 (collagen type V alpha 1 chain; plus strand). Cytogenetic location: 9q34.3.
Variant type: single nucleotide variant.
Coding change: c.2138C>T on transcript NM_000093.5 (MANE Select); coding-DNA position 2138, C replaced by T.
Protein change: p.Pro713Leu; replaces proline 713 with leucine.
Molecular consequence: missense variant.
Genome position (GRCh38, 1-based): chr9:134,767,004, C>T. VCF-style: chr9-134767004-C-T. GRCh37 (hg19) VCF-style: chr9-137658850-C-T.
Other names: c.2138C>T, p.Pro713Leu (NM_001278074.1); short protein forms P713L.
Identifiers: ClinVar variation 2801988 (VCV002801988.3), dbSNP rs1176035704, ClinGen allele CA375448071.
Genomic context (GRCh38, chr9:134,767,004, plus strand): 5'-GAAGGGGATACAGTTCCCAGAGCCCCCTTCAGTGCCTTTGCTCTTGTCTCCTGTAGGGTC[C>T]CCAGGGAGAGCCTGGCCCCCCAGGACAGCAGGGTAATCCAGGCGCCCAGGTAAGTGAGCC-3'
Protein context (NP_000084.3, residues 703-723): GQPGPKGNVG[Pro713Leu]QGEPGPPGQQ